The following is an entry in ClinVar:

NM_001040108.2(MLH3):c.22G>T (p.Glu8Ter)

Gene: MLH3 (mutL homolog 3; minus strand). Cytogenetic location: 14q24.3.
Variant type: single nucleotide variant.
Coding change: c.22G>T on transcript NM_001040108.2 (MANE Select); coding-DNA position 22, G replaced by T.
Protein change: p.Glu8Ter; replaces glutamic acid 8 with a stop codon.
Molecular consequence: nonsense.
Genome position (GRCh38, 1-based): chr14:75,049,634, C>A on the plus strand (G>T on the coding strand, the complement: MLH3 is on the minus strand). VCF-style: chr14-75049634-C-A. GRCh37 (hg19) VCF-style: chr14-75516337-C-A.
Other names: c.22G>T, p.Glu8Ter (NM_014381.3); short protein forms E8*.
Identifiers: ClinVar variation 4876065 (VCV004876065.1).

ClinVar aggregate classification (germline): Pathogenic (1 of 4 stars; one submission).

Conditions:
Colorectal cancer, hereditary nonpolyposis, type 7. Identifiers: Orphanet 144, MedGen C1858380, MONDO:0013725, OMIM 614385.

Submission:

Myriad Genetics, Inc.
Classification: Pathogenic for Colorectal cancer, hereditary nonpolyposis, type 7. Last evaluated: 2026-05-26. Review status: criteria provided, single submitter. Criteria: Myriad Autosomal Dominant, Autosomal Recessive and X-Linked Classification Criteria (2023). Collection method: clinical testing. Allele origin: unknown.
Comment: This variant is considered pathogenic. This variant creates a termination codon and is predicted to result in premature protein truncation.